The following is an entry in ClinVar:

ClinVar aggregate classification (germline): Pathogenic (1 of 4 stars; one submission).

Conditions:
Joubert syndrome 14 (JBTS14). Identifiers: MedGen C3280766, MONDO:0013745, OMIM 614424.

Submission:

Labcorp Genetics (formerly Invitae), Labcorp
Classification: Pathogenic for Joubert syndrome 14. Last evaluated: 2022-02-03. Review status: criteria provided, single submitter. Criteria: Invitae Variant Classification Sherloc (09022015). Collection method: clinical testing. Allele origin: germline.
Comment: A gross deletion of the genomic region encompassing the full coding sequence of the TMEM237 gene has been identified. Loss-of-function variants in TMEM237 are known to be pathogenic (PMID: 22152675). The boundaries of this event are unknown as they extend beyond the assayed region for this gene and therefore may encompass additional genes. This variant has not been reported in the literature in individuals affected with TMEM237-related conditions. For these reasons, this variant has been classified as Pathogenic.

Literature cited by the submitters: PubMed 22152675.

NC_000002.12:g.(?_201618900)_(201647825_?)del

Genes: CATSPERT (catsper channel auxiliary subunit tau; minus strand), TMEM237 (transmembrane protein 237; minus strand), MPP4 (MAGUK p55 scaffold protein 4; minus strand), LOC129935417 (ATAC-STARR-seq lymphoblastoid silent region 12235; plus strand), LOC129935416 (ATAC-STARR-seq lymphoblastoid silent region 12234; plus strand). Cytogenetic location: 2q33.1.
Variant type: Deletion.
Identifiers: ClinVar variation 584058 (VCV000584058.2).